The following is an entry in ClinVar:

NM_001042492.3(NF1):c.4299dup (p.Arg1434Ter)

Gene: NF1 (neurofibromin 1; plus strand). Cytogenetic location: 17q11.2.
Variant type: Duplication.
Coding change: c.4299dup on transcript NM_001042492.3 (MANE Select); coding-DNA position 4299, one base duplicated (T; older notation c.4299dupT).
Protein change: p.Arg1434Ter; replaces arginine 1434 with a stop codon.
Molecular consequence: nonsense. On other transcripts: frameshift variant (1).
Genome position (GRCh38, 1-based): chr17:31,258,469, T duplicated. VCF-style (leftmost placement, unchanged base first): chr17-31258468-C-CT. GRCh37 (hg19) VCF-style: chr17-29585486-C-CT.
Other names: c.4236dup, p.Arg1413Terfs (NM_000267.4); short protein forms R1413*, R1434*.
Identifiers: ClinVar variation 2921089 (VCV002921089.1), dbSNP rs1567862044, ClinGen allele CA919824978.

ClinVar aggregate classification (germline): Pathogenic (1 of 4 stars; one submission).

Submission:

ARUP Laboratories, Molecular Genetics and Genomics, ARUP Laboratories
Classification: Pathogenic. Last evaluated: 2023-09-20. Review status: criteria provided, single submitter. Criteria: ARUP Molecular Germline Variant Investigation Process 2024. Collection method: clinical testing. Allele origin: germline.
Comment: The NF1 c.4299dup; p.Arg1434Ter variant (rs1567862044), to our knowledge, is not reported in the medical literature or gene specific databases. This variant is also absent from the Genome Aggregation Database, indicating it is not a common polymorphism. This variant induces an early termination codon and is predicted to result in a truncated protein or mRNA subject to nonsense-mediated decay. Other early termination variants near this codon have been reported in individuals with neurofibromatosis and are considered to be pathogenic (Tsipi 2018, Wright 2021). Based on available information, this variant is considered to be pathogenic References: Tsipi M, et al. Phenotypic expression of a spectrum of Neurofibromatosis Type 1 (NF1) mutations identified through NGS and MLPA. J Neurol Sci. 2018. PMID: 30308447. Wright CF, et al. Evaluating variants classified as pathogenic in ClinVar in the DDD Study. Genet Med. 2021. PMID: 33149276.